The following is an entry in ClinVar:

ClinVar aggregate classification (germline): Uncertain significance (1 of 4 stars; one submission).

Allele frequency attached by ClinVar (database versions not stated): TOPMed below 0.00001.

Submission:

Labcorp Genetics (formerly Invitae), Labcorp
Classification: Uncertain significance. Last evaluated: 2024-10-17. Review status: criteria provided, single submitter. Criteria: Invitae Variant Classification Sherloc (09022015). Collection method: clinical testing. Allele origin: germline.
Comment: This sequence change replaces alanine, which is neutral and non-polar, with valine, which is neutral and non-polar, at codon 12 of the SPPL2A protein (p.Ala12Val). This variant is not present in population databases (gnomAD no frequency). This variant has not been reported in the literature in individuals affected with SPPL2A-related conditions. An algorithm developed to predict the effect of missense changes on protein structure and function (PolyPhen-2) suggests that this variant is likely to be tolerated. In summary, the available evidence is currently insufficient to determine the role of this variant in disease. Therefore, it has been classified as a Variant of Uncertain Significance.

NM_032802.4(SPPL2A):c.35C>T (p.Ala12Val)

Genes: SPPL2A (signal peptide peptidase like 2A; minus strand), LOC130057047 (ATAC-STARR-seq lymphoblastoid silent region 6430; plus strand). Cytogenetic location: 15q21.2.
Variant type: single nucleotide variant.
Coding change: c.35C>T on transcript NM_032802.4 (MANE Select); coding-DNA position 35, C replaced by T.
Protein change: p.Ala12Val; replaces alanine 12 with valine.
Molecular consequence: missense variant.
Genome position (GRCh38, 1-based): chr15:50,765,499, G>A on the plus strand (C>T on the coding strand, the complement: SPPL2A is on the minus strand). VCF-style: chr15-50765499-G-A. GRCh37 (hg19) VCF-style: chr15-51057696-G-A.
Other names: short protein forms A12V.
Identifiers: ClinVar variation 2798926 (VCV002798926.3), dbSNP rs2063051889, ClinGen allele CA392462345.
Genomic context (GRCh38, chr15:50,765,499, plus strand): 5'-GAGGCCTGCGCGCCTTCCCGCCCCCTTACCAGCTGGAGCAGGAAGCCCCAGAGTAGGGCG[G>A]CCCCGGCAGGGGACAGCCGCCGCTGCGGCCCCATCGGACTGGTGGGTGCCGGGTGGGACG-3'
Protein context (NP_116191.2, residues 2-22): GPQRRLSPAG[Ala12Val]ALLWGFLLQL